The following is an entry in ClinVar:

NM_001394390.1(STON2):c.88+7A>G

Gene: STON2 (stonin 2; minus strand). Cytogenetic location: 14q31.1.
Variant type: single nucleotide variant.
Coding change: c.88+7A>G on transcript NM_001394390.1 (MANE Select); 7 bases into the intron after coding-DNA position 88, A replaced by G.
Molecular consequence: intron variant.
Genome position (GRCh38, 1-based): chr14:81,398,288, T>C on the plus strand (A>G on the coding strand, the complement: STON2 is on the minus strand). VCF-style: chr14-81398288-T-C. GRCh37 (hg19) VCF-style: chr14-81864632-T-C.
Other names: c.88+7A>G (NM_001366850.2, NM_001366849.2, NM_001256430.3).
Identifiers: ClinVar variation 2644433 (VCV002644433.24), dbSNP rs369918161, ClinGen allele CA7295589.

ClinVar aggregate classification (germline): Likely benign (1 of 4 stars; one submission).

Allele frequency attached by ClinVar (database versions not stated): gnomAD 0.00019; TOPMed 0.00019; ESP Exome Variant Server 0.00023; ExAC 0.00025; gnomAD exomes 0.00023.
gnomAD v4.1: 366 of 1,607,116 alleles (0.023%); highest among the groups gnomAD compares: Non-Finnish European, 0.021%; no homozygotes.

Submission:

CeGaT Center for Human Genetics Tuebingen
Classification: Likely benign. Last evaluated: 2025-03-01. Review status: criteria provided, single submitter. Criteria: CeGaT Center For Human Genetics Tuebingen Variant Classification Criteria Version 2. Collection method: clinical testing. Allele origin: germline. Affected: yes. Observed: 2 variant alleles.
Comment: STON2: BP4